The following is an entry in ClinVar:

ClinVar aggregate classification (germline): Benign/Likely benign. Review status: criteria provided, multiple submitters, no conflicts (2 of 4 stars). 12 submissions from 12 submitters: Benign (6); Likely benign (2). 4 of the submissions do not count toward it. Last evaluated 2026-03-16.

Conditions:
Cardiomyopathy, familial hypertrophic 27. Identifiers: MedGen C4748014, MONDO:0054838, OMIM 618052.
Hypertrophic cardiomyopathy. Also called: HYPERTROPHIC MYOCARDIOPATHY. Identifiers: Orphanet 217569, MedGen C0007194, MeSH D002312, MONDO:0005045, HP:0001639.
ALPK3-related disorder. Also called: ALPK3-related condition.
Cardiovascular phenotype. Identifiers: MedGen CN230736.

Allele frequency attached by ClinVar (database versions not stated): gnomAD exomes 0.00102; ExAC 0.00126; 1000 Genomes Project 0.00359; gnomAD 0.00393 and 0.00429; 1000 Genomes Project 30x 0.00453; ESP Exome Variant Server 0.00454; TOPMed 0.00457.
gnomAD v4.1: 1,196 of 1,613,888 alleles (0.074%); highest among the groups gnomAD compares: African/African-American, 1.4%; 7 homozygotes.

Submissions (12):

Women's Health and Genetics/Laboratory Corporation of America, LabCorp
Classification: Benign. Last evaluated: 2026-03-16. Review status: criteria provided, single submitter. Criteria: LabCorp Variant Classification Summary - May 2015. Collection method: clinical testing. Allele origin: germline.
Comment: Variant summary: ALPK3 c.884A>G (p.Tyr295Cys) results in a non-conservative amino acid change in the encoded protein sequence. Algorithms developed to predict the effect of missense changes on protein structure and function are either unavailable or do not agree on the potential impact of this missense change. The variant allele was found at a frequency of 0.00074 in 1606916 control chromosomes, predominantly at a frequency of 0.014 within the African or African-American subpopulation in the gnomAD database, including 4 homozygotes. The observed variant frequency within African or African-American control individuals in the gnomAD database exceeds the estimated maximal expected allele frequency for disease-causing variants in ALPK3. To our knowledge, no occurrence of c.884A>G in individuals affected with ALPK3-related conditions and no experimental evidence demonstrating its impact on protein function have been reported. ClinVar contains an entry for this variant (Variation ID: 389628). Based on the evidence outlined above, the variant was classified as benign.

Labcorp Genetics (formerly Invitae), Labcorp
Classification: Benign. Last evaluated: 2026-01-31. Review status: criteria provided, single submitter. Criteria: Invitae Variant Classification Sherloc (09022015). Collection method: clinical testing. Allele origin: germline.

ARUP Laboratories, Molecular Genetics and Genomics, ARUP Laboratories
Classification: Likely benign for Cardiomyopathy, familial hypertrophic 27. Last evaluated: 2025-04-21. Review status: criteria provided, single submitter. Criteria: ARUP Molecular Germline Variant Investigation Process 2024. Collection method: clinical testing. Allele origin: germline.

Blueprint Genetics
Classification: Likely benign. Last evaluated: 2024-11-13. Review status: criteria provided, single submitter. Criteria: ACMG Guidelines, 2015. Collection method: clinical testing. Allele origin: germline.

Mayo Clinic Laboratories, Mayo Clinic
Classification: Benign. Last evaluated: 2023-05-31. Review status: criteria provided, single submitter. Criteria: ACMG Guidelines, 2015. Collection method: clinical testing. Allele origin: germline. Observed: 7 variant alleles.
Comment: BS1, BS2

Ambry Genetics
Classification: Benign for Cardiovascular phenotype. Last evaluated: 2019-09-13. Review status: criteria provided, single submitter. Criteria: Ambry Variant Classification Scheme 2023. Collection method: clinical testing. Allele origin: germline.

GeneDx
Classification: Benign. Last evaluated: 2016-12-05. Review status: criteria provided, single submitter. Criteria: GeneDx Variant Classification (06012015). Collection method: clinical testing. Allele origin: germline. Affected: yes.
Comment: This variant is considered likely benign or benign based on one or more of the following criteria: it is a conservative change, it occurs at a poorly conserved position in the protein, it is predicted to be benign by multiple in silico algorithms, and/or has population frequency not consistent with disease.

Breakthrough Genomics
Classification: Benign. Review status: criteria provided, single submitter. Criteria: ACMG Guidelines, 2015. Collection method: not provided. Allele origin: germline. Inheritance: Autosomal recessive inheritance. Affected: yes.

PreventionGenetics, part of Exact Sciences
Classification: Benign for ALPK3-related condition. Last evaluated: 2019-06-18. Review status: no assertion criteria provided. Collection method: clinical testing. Allele origin: germline. Not counted in ClinVar's aggregate classification.
Comment: This variant is classified as benign based on ACMG/AMP sequence variant interpretation guidelines (Richards et al. 2015 PMID: 25741868, with internal and published modifications).

Clinical Genetics, Academic Medical Center
Classification: Benign. Review status: no assertion criteria provided. Collection method: clinical testing. Allele origin: germline. Affected: yes. Study: VKGL Data-share Consensus. Not counted in ClinVar's aggregate classification.

Genome Diagnostics Laboratory, University Medical Center Utrecht
Classification: Benign. Review status: no assertion criteria provided. Collection method: clinical testing. Allele origin: germline. Affected: yes. Study: VKGL Data-share Consensus. Not counted in ClinVar's aggregate classification.

Zaffran Lab, Genetics of Cardiac Diseases Laboratory, Marseille Medical Genetics
Classification: Uncertain significance for hypertrophic cardiomyopathy. Review status: no assertion criteria provided. Collection method: research. Allele origin: unknown. Affected: yes. Not counted in ClinVar's aggregate classification.

NM_020778.5(ALPK3):c.884A>G (p.Tyr295Cys)

Gene: ALPK3 (alpha kinase 3; plus strand). Cytogenetic location: 15q25.3.
Variant type: single nucleotide variant.
Coding change: c.884A>G on transcript NM_020778.5 (MANE Select); coding-DNA position 884, A replaced by G.
Protein change: p.Tyr295Cys; replaces tyrosine 295 with cysteine.
Molecular consequence: missense variant.
Genome position (GRCh38, 1-based): chr15:84,840,163, A>G. VCF-style: chr15-84840163-A-G. GRCh37 (hg19) VCF-style: chr15-85383394-A-G.
Other names: p.Tyr497Cys; short protein forms Y497C, Y295C.
Identifiers: ClinVar variation 389628 (VCV000389628.23), dbSNP rs116077141, ClinGen allele CA7709089.
Genomic context (GRCh38, chr15:84,840,163, plus strand): 5'-CCACCAACGGGGAGGCTGCCCCCGAGAATGGAGAGGACGGAGAGCATGGCTTGCTGACAT[A>G]CATCTGTGACGCCATGGAGCTGGGGCCTCAGAGAGCCCTCAAAGAGGAGAGTGGGGCCAA-3'
Protein context (NP_065829.4, residues 285-305): GEDGEHGLLT[Tyr295Cys]ICDAMELGPQ